The following is an entry in ClinVar:

NM_000492.4(CFTR):c.2458A>C (p.Ile820Leu)

Gene: CFTR (CF transmembrane conductance regulator; plus strand). Cytogenetic location: 7q31.2.
Variant type: single nucleotide variant.
Coding change: c.2458A>C on transcript NM_000492.4 (MANE Select); coding-DNA position 2458, A replaced by C.
Protein change: p.Ile820Leu; replaces isoleucine 820 with leucine.
Molecular consequence: missense variant.
Genome position (GRCh38, 1-based): chr7:117,592,625, A>C. VCF-style: chr7-117592625-A-C. GRCh37 (hg19) VCF-style: chr7-117232679-A-C.
Other names: short protein forms I820L.
Identifiers: ClinVar variation 2624957 (VCV002624957.2), dbSNP rs1255429773, ClinGen allele CA368981437.
Genomic context (GRCh38, chr7:117,592,625, plus strand): 5'-GCAAACTTGACTGAACTGGATATATATTCAAGAAGGTTATCTCAAGAAACTGGCTTGGAA[A>C]TAAGTGAAGAAATTAACGAAGAAGACTTAAAGGTAGGTATACATCGCTTGGGGGTATTTC-3'
Protein context (NP_000483.3, residues 810-830): RRLSQETGLE[Ile820Leu]SEEINEEDLK

ClinVar aggregate classification (germline): Uncertain significance (1 of 4 stars; one submission).

Conditions:
Cystic fibrosis (CF). Also called: MUCOVISCIDOSIS. Identifiers: Orphanet 586, MedGen C0010674, MONDO:0009061, OMIM 219700. Disease mechanism: loss of function.

Submission:

Ambry Genetics
Classification: Uncertain significance for Cystic fibrosis. Last evaluated: 2023-08-26. Review status: criteria provided, single submitter. Criteria: Ambry Variant Classification Scheme 2023. Collection method: clinical testing. Allele origin: germline.
Comment: The p.I820L variant (also known as c.2458A>C), located in coding exon 14 of the CFTR gene, results from an A to C substitution at nucleotide position 2458. The isoleucine at codon 820 is replaced by leucine, an amino acid with highly similar properties. This amino acid position is conserved. In addition, the in silico prediction for this alteration is inconclusive. Since supporting evidence is limited at this time, the clinical significance of this alteration remains unclear.